The following is an entry in ClinVar:

ClinVar aggregate classification (germline): Benign/Likely benign. Review status: criteria provided, multiple submitters, no conflicts (2 of 4 stars). 5 submissions from 5 submitters: Benign (4); Likely benign (1). Last evaluated 2025-12-24.

Conditions:
Hearing loss, X-linked 6. Also called: Deafness, X-linked 6. Identifiers: Orphanet 90625, MedGen C3806737, MONDO:0010484, OMIM 300914.

Allele frequency attached by ClinVar (database versions not stated): gnomAD exomes 0.00106; ExAC 0.00150; gnomAD 0.00402 and 0.00431; ESP Exome Variant Server 0.00435; TOPMed 0.00467; 1000 Genomes Project 0.00477; 1000 Genomes Project 30x 0.00520.
gnomAD v4.1: 917 of 1,201,244 alleles (0.076%); highest among the groups gnomAD compares: African/African-American, 1.5%; 5 homozygotes.

Submissions (6):

Labcorp Genetics (formerly Invitae), Labcorp
Classification: Benign. Last evaluated: 2025-12-24. Review status: criteria provided, single submitter. Criteria: Invitae Variant Classification Sherloc (09022015). Collection method: clinical testing. Allele origin: germline.

Mayo Clinic Laboratories, Mayo Clinic
Classification: Benign. Last evaluated: 2024-12-16. Review status: criteria provided, single submitter. Criteria: ACMG Guidelines, 2015. Collection method: clinical testing. Allele origin: germline. Observed: 1 variant allele.
Comment: BS1, BS2, BP4

Blueprint Genetics
Classification: Likely benign. Last evaluated: 2024-09-13. Review status: criteria provided, single submitter. Criteria: ACMG Guidelines, 2015. Collection method: clinical testing. Allele origin: germline.

Genome-Nilou Lab
Classification: Benign for Hearing loss, X-linked 6. Last evaluated: 2022-03-15. Review status: criteria provided, single submitter. Criteria: ACMG Guidelines, 2015. Collection method: clinical testing. Allele origin: germline. Affected: no.

GeneDx
Classification: Benign. Last evaluated: 2020-02-26. Review status: criteria provided, single submitter. Criteria: GeneDx Variant Classification Process June 2021. Collection method: clinical testing. Allele origin: germline. Affected: yes.

Dr. Peter K. Rogan Lab, Western University
No classification provided (evidence only). Condition: Clear cell carcinoma of kidney. Review status: no classification provided. Collection method: in vitro. Allele origin: not applicable. Functional consequence: retained intron. Not counted in ClinVar's aggregate classification.

NM_033641.4(COL4A6):c.2888A>T (p.Asn963Ile)

Gene: COL4A6 (collagen type IV alpha 6 chain; minus strand). Cytogenetic location: Xq22.3.
Variant type: single nucleotide variant.
Coding change: c.2888A>T on transcript NM_033641.4 (MANE Select); coding-DNA position 2888, A replaced by T.
Protein change: p.Asn963Ile; replaces asparagine 963 with isoleucine.
Molecular consequence: missense variant.
Genome position (GRCh38, 1-based): chrX:108,175,158, T>A on the plus strand (A>T on the coding strand, the complement: COL4A6 is on the minus strand). VCF-style: chrX-108175158-T-A. GRCh37 (hg19) VCF-style: chrX-107418388-T-A.
Other names: p.Asn964Ile; c.2939A>T, p.Asn980Ile (NM_001287758.2); c.2888A>T, p.Asn963Ile (NM_001287759.2, NM_001287760.2); c.2891A>T, p.Asn964Ile (NM_001847.4); short protein forms N964I, N980I, N963I.
Identifiers: ClinVar variation 707465 (VCV000707465.15), dbSNP rs143146797, ClinGen allele CA10487542.